The following is an entry in ClinVar:

ClinVar aggregate classification (germline): Likely benign (0 of 4 stars; one submission).

Conditions:
STON1-GTF2A1L-related disorder. Also called: STON1-GTF2A1L-related condition.

Allele frequency attached by ClinVar (database versions not stated): TOPMed 0.00001; gnomAD 0.00003; gnomAD exomes 0.00003; 1000 Genomes Project 30x 0.00016; ExAC 0.00045.
gnomAD v4.1: 52 of 1,534,888 alleles (0.0034%); highest among the groups gnomAD compares: South Asian, 0.052%; 1 homozygote.

Submission:

PreventionGenetics, part of Exact Sciences
Classification: Likely benign for STON1-GTF2A1L-related condition. Last evaluated: 2019-07-01. Review status: no assertion criteria provided. Collection method: clinical testing. Allele origin: germline.
Comment: This variant is classified as likely benign based on ACMG/AMP sequence variant interpretation guidelines (Richards et al. 2015 PMID: 25741868, with internal and published modifications).

NM_001198593.2(STON1-GTF2A1L):c.3442-20603G>A

Genes: LHCGR (luteinizing hormone/choriogonadotropin receptor; minus strand), STON1-GTF2A1L (STON1-GTF2A1L readthrough; plus strand). Cytogenetic location: 2p16.3.
Variant type: single nucleotide variant.
Coding change: c.3442-20603G>A on transcript NM_001198593.2; 20603 bases into the intron before coding-DNA position 3442, G replaced by A.
Molecular consequence: intron variant. On other transcripts: 5 prime UTR variant (1).
Genome position (GRCh38, 1-based): chr2:48,755,677, G>A. VCF-style: chr2-48755677-G-A. GRCh37 (hg19) VCF-style: chr2-48982816-G-A.
Other names: c.-6C>T (NM_000233.4).
Identifiers: ClinVar variation 3043125 (VCV003043125.2), dbSNP rs779799454, ClinGen allele CA1653501.
Genomic context (GRCh38, chr2:48,755,677, plus strand): 5'-GCTGCAGCAGCAGCAGCAGCTTCAGCAGCTGCAGCGCCGAGAACCGCTGCTTCATGGCCG[G>A]CGAACTGGGCTTCTGCGGCTTGCCAGTGTCTTGGACGGCCTCTGAGTGCGGCCCGCACCC-3'